The following is an entry in ClinVar:

ClinVar aggregate classification (germline): Uncertain significance (1 of 4 stars; one submission).

Allele frequency attached by ClinVar (database versions not stated): ExAC 0.00003; gnomAD 0.00007; TOPMed 0.00008.
gnomAD v4.1: 43 of 1,613,558 alleles (0.0027%); highest among the groups gnomAD compares: Admixed American, 0.043%; no homozygotes.

Submission:

Labcorp Genetics (formerly Invitae), Labcorp
Classification: Uncertain significance. Last evaluated: 2025-12-11. Review status: criteria provided, single submitter. Criteria: Invitae Variant Classification Sherloc (09022015). Collection method: clinical testing. Allele origin: germline.
Comment: This sequence change replaces arginine, which is basic and polar, with glutamine, which is neutral and polar, at codon 200 of the PDGFB protein (p.Arg200Gln). This variant is present in population databases (rs748590340, gnomAD 0.04%), and has an allele count higher than expected for a pathogenic variant. This variant has not been reported in the literature in individuals affected with PDGFB-related conditions. ClinVar contains an entry for this variant (Variation ID: 2190344). An algorithm developed to predict the effect of missense changes on protein structure and function outputs the following: PolyPhen-2: "Benign". The glutamine amino acid residue is found in multiple mammalian species, which suggests that this missense change does not adversely affect protein function. In summary, the available evidence is currently insufficient to determine the role of this variant in disease. Therefore, it has been classified as a Variant of Uncertain Significance.

NM_002608.4(PDGFB):c.599G>A (p.Arg200Gln)

Gene: PDGFB (platelet derived growth factor subunit B; minus strand). Cytogenetic location: 22q13.1.
Variant type: single nucleotide variant.
Coding change: c.599G>A on transcript NM_002608.4 (MANE Select); coding-DNA position 599, G replaced by A.
Protein change: p.Arg200Gln; replaces arginine 200 with glutamine.
Molecular consequence: missense variant.
Genome position (GRCh38, 1-based): chr22:39,230,086, C>T on the plus strand (G>A on the coding strand, the complement: PDGFB is on the minus strand). VCF-style: chr22-39230086-C-T. GRCh37 (hg19) VCF-style: chr22-39626091-C-T.
Other names: c.554G>A, p.Arg185Gln (NM_033016.3); short protein forms R185Q, R200Q.
Identifiers: ClinVar variation 2190344 (VCV002190344.4), dbSNP rs748590340, ClinGen allele CA10240062.
Genomic context (GRCh38, chr22:39,230,086, plus strand): 5'-CTGCCCCCAGCTGCTGCAGGGGAAGGGGGCTGAGGGCTGAGCCTGGAAAGGTGGTTACCT[C>T]GCTGCTCCTGGGAACCCCCCGGGCTTCGGGTCACAGGCCGTGCAGCTGCCACTGTCTCAC-3'
Protein context (NP_002599.1, residues 190-210): TRSPGGSQEQ[Arg200Gln]AKTPQTRVTI